The following is an entry in ClinVar:

NM_030665.4(RAI1):c.5223del (p.Gly1742fs)

Gene: RAI1 (retinoic acid induced 1; plus strand). Cytogenetic location: 17p11.2.
Variant type: Deletion.
Coding change: c.5223del on transcript NM_030665.4 (MANE Select); coding-DNA position 5223, one base deleted (A; older notation c.5223delA).
Protein change: p.Gly1742fs; shifts the reading frame from glycine 1742.
Molecular consequence: frameshift variant.
Genome position (GRCh38, 1-based): chr17:17,798,171, A deleted; the last of 3 consecutive A bases (chr17:17,798,169-17,798,171); deleting any one gives the same sequence. VCF-style (leftmost placement, unchanged base first): chr17-17798168-CA-C. GRCh37 (hg19) VCF-style: chr17-17701482-CA-C.
Other names: short protein forms G1742fs.
Identifiers: ClinVar variation 1705219 (VCV001705219.1), dbSNP rs2543625115, ClinGen allele CA2580092618.
Genomic context (GRCh38, chr17:17,798,168, plus strand): 5'-GGAGAAGGTGCGGCCAGAAGGCACCTGTGAGGAGGCCTCGCTGCCGCTTGAGAGAACACT[CA>C]AAGGTCCCGAGTGTGCAGCTGCCGCCACTGCCGGGAAGCCCCCCAGGCCTGACGGCCCAG-3'

ClinVar aggregate classification (germline): Likely pathogenic (1 of 4 stars; one submission).

Conditions:
Smith-Magenis syndrome (SMS). Also called: CHROMOSOME 17p11.2 DELETION SYNDROME. Identifiers: Orphanet 819, MedGen C0795864, MONDO:0008434, OMIM 182290.

Submission:

Women's Health and Genetics/Laboratory Corporation of America, LabCorp
Classification: Likely pathogenic for Smith-Magenis syndrome. Last evaluated: 2022-08-26. Review status: criteria provided, single submitter. Criteria: LabCorp Variant Classification Summary - May 2015. Collection method: clinical testing. Allele origin: germline.
Comment: Variant summary: RAI1 c.5223delA (p.Gly1742ValfsX108) results in a premature termination codon, predicted to cause a truncation of the encoded protein or absence of the protein due to nonsense mediated decay, which are commonly known mechanisms for disease. The variant was absent in 247374 control chromosomes (gnomAD). To our knowledge, no occurrence of c.5223delA in individuals affected with Smith-Magenis Syndrome and no experimental evidence demonstrating its impact on protein function have been reported. No clinical diagnostic laboratories have submitted clinical-significance assessments for this variant to ClinVar after 2014. Based on the evidence outlined above, the variant was classified as likely pathogenic.